The following is an entry in ClinVar:

ClinVar aggregate classification (germline): Uncertain significance. Review status: criteria provided, multiple submitters, no conflicts (2 of 4 stars). 7 submissions from 7 submitters: Uncertain significance (6). 1 of the submissions does not count toward it. Last evaluated 2026-09-07.

Conditions:
Inborn genetic diseases. Identifiers: MedGen C0950123, MeSH D030342.
USH1C-related disorder. Also called: USH1C-related condition.
Usher syndrome type 1C. Also called: USHER SYNDROME, TYPE I, ACADIAN VARIETY. Identifiers: Orphanet 231169, Orphanet 886, MedGen C1848604, MONDO:0010171, OMIM 276904.

Allele frequency attached by ClinVar (database versions not stated): gnomAD exomes 0.00006; ExAC 0.00007; ESP Exome Variant Server 0.00023; gnomAD 0.00023 and 0.00024; TOPMed 0.00027; 1000 Genomes Project 0.00060; 1000 Genomes Project 30x 0.00062.
gnomAD v4.1: 85 of 1,614,126 alleles (0.0053%); highest among the groups gnomAD compares: African/African-American, 0.081%; 1 homozygote.

Submissions (7):

PreventionGenetics, part of Exact Sciences
Classification: Uncertain significance for USH1C-related condition. Last evaluated: 2026-09-07. Review status: criteria provided, single submitter. Criteria: ACMG Guidelines, 2015. Collection method: clinical testing. Allele origin: germline.
Comment: The USH1C c.275G>A variant is predicted to result in the amino acid substitution p.Arg92His. To our knowledge, this variant has not been reported in the literature. This variant is reported in 0.088% of alleles in individuals of African descent in gnomAD including one homozygous individual in the latest dataset, which may be too common to be an unreported cause of disease. Although we suspect that this variant may be benign, at this time, the clinical significance of this variant is uncertain due to the absence of conclusive functional and genetic evidence.

Ambry Genetics
Classification: Uncertain significance for Inborn genetic diseases. Last evaluated: 2025-09-05. Review status: criteria provided, single submitter. Criteria: Ambry Variant Classification Scheme 2023. Collection method: clinical testing. Allele origin: germline.

Labcorp Genetics (formerly Invitae), Labcorp
Classification: Uncertain significance. Last evaluated: 2024-12-02. Review status: criteria provided, single submitter. Criteria: Invitae Variant Classification Sherloc (09022015). Collection method: clinical testing. Allele origin: germline.
Comment: This sequence change replaces arginine, which is basic and polar, with histidine, which is basic and polar, at codon 92 of the USH1C protein (p.Arg92His). This variant is present in population databases (rs147954324, gnomAD 0.08%). This variant has not been reported in the literature in individuals affected with USH1C-related conditions. ClinVar contains an entry for this variant (Variation ID: 287886). An algorithm developed to predict the effect of missense changes on protein structure and function (PolyPhen-2) suggests that this variant is likely to be disruptive. In summary, the available evidence is currently insufficient to determine the role of this variant in disease. Therefore, it has been classified as a Variant of Uncertain Significance.

Blueprint Genetics
Classification: Uncertain significance. Last evaluated: 2024-08-06. Review status: criteria provided, single submitter. Criteria: ACMG Guidelines, 2015. Collection method: clinical testing. Allele origin: germline.

GeneDx
Classification: Uncertain significance. Last evaluated: 2024-03-15. Review status: criteria provided, single submitter. Criteria: GeneDx Variant Classification Process June 2021. Collection method: clinical testing. Allele origin: germline. Affected: yes.
Comment: In silico analysis supports that this missense variant has a deleterious effect on protein structure/function; Has not been previously published as pathogenic or benign to our knowledge

Eurofins Ntd Llc (ga)
Classification: Uncertain significance. Last evaluated: 2016-05-31. Review status: criteria provided, single submitter. Criteria: EGL Classification Definitions 2015. Collection method: clinical testing. Allele origin: germline. Observed: 1 variant allele, 1 heterozygote.

Natera, Inc.
Classification: Uncertain significance for Usher syndrome type 1C. Last evaluated: 2019-11-11. Review status: no assertion criteria provided. Collection method: clinical testing. Allele origin: germline. Not counted in ClinVar's aggregate classification.

NM_153676.4(USH1C):c.275G>A (p.Arg92His)

Gene: USH1C (USH1 protein network component harmonin; minus strand). Cytogenetic location: 11p15.1.
Variant type: single nucleotide variant.
Coding change: c.275G>A on transcript NM_153676.4 (MANE Select); coding-DNA position 275, G replaced by A.
Protein change: p.Arg92His; replaces arginine 92 with histidine.
Molecular consequence: missense variant. On other transcripts: non-coding transcript variant (1).
Genome position (GRCh38, 1-based): chr11:17,531,266, C>T on the plus strand (G>A on the coding strand, the complement: USH1C is on the minus strand). VCF-style: chr11-17531266-C-T. GRCh37 (hg19) VCF-style: chr11-17552813-C-T.
Other names: c.275G>A, p.Arg92His (NM_001297764.2, NM_005709.4); c.275G>A (NM_005709.3, NM_153676.3); short protein forms R92H.
Identifiers: ClinVar variation 287886 (VCV000287886.13), dbSNP rs147954324, ClinGen allele CA5905108.
Genomic context (GRCh38, chr11:17,531,266, plus strand): 5'-AGCCCACAGCCAAACTCCAGGCCACCACGCACACTCAGGCCGAGGCCTTCGGGGTGCAGA[C>T]GGTCCAGACGCACCTCCTTCAGCTTCCTGCCACACAGGAGAGGTCGGTGATGGTGCAGCT-3'
Protein context (NP_710142.1, residues 82-102): SRKLKEVRLD[Arg92His]LHPEGLGLSV